The following is an entry in ClinVar:

ClinVar aggregate classification (germline): Uncertain significance (0 of 4 stars; one submission).

Conditions:
NRP1-related disorder. Also called: NRP1-related condition.

Submission:

PreventionGenetics, part of Exact Sciences
Classification: Uncertain significance for NRP1-related condition. Last evaluated: 2023-12-07. Review status: no assertion criteria provided. Collection method: clinical testing. Allele origin: germline.
Comment: The NRP1 c.248+3_248+6delAAGT variant is predicted to result in an intronic deletion. This variant is predicted to weaken the nearby splice donor site (SpliceAI, Jaganathan K, et al. 2019. PubMed ID: 30661751). To our knowledge, this variant has not been reported in the literature or in a large population database, indicating it is rare. At this time, the clinical significance of this variant is uncertain due to the absence of conclusive functional and genetic evidence.

NM_003873.7(NRP1):c.248+3_248+6del

Gene: NRP1 (neuropilin 1; minus strand). Cytogenetic location: 10p11.22.
Variant type: Microsatellite.
Coding change: c.248+3_248+6del on transcript NM_003873.7 (MANE Select); bases 3 to 6 of the intron after coding-DNA position 248, 4 bases deleted (AAGT; older notation c.248+3_248+6delAAGT).
Molecular consequence: splice donor variant.
Genome position (GRCh38, 1-based): chr10:33,330,702-33,330,705, ACTT deleted on the plus strand (AAGT on the coding strand, the reverse complement: NRP1 is on the minus strand); deleting any 4 consecutive bases within chr10:33,330,702-33,330,709 gives the same sequence; the c. name uses the placement nearest the transcript's 3' end. VCF-style (leftmost placement, unchanged base first): chr10-33330701-CACTT-C. GRCh37 (hg19) VCF-style: chr10-33619629-CACTT-C.
Other names: c.248+3_248+6del (NM_001244973.2, NM_001244972.2, NM_001330068.2 and 2 more transcripts).
Identifiers: ClinVar variation 2634922 (VCV002634922.3), dbSNP rs2493471077, ClinGen allele CA2574526572.